The following is an entry in ClinVar:

ClinVar aggregate classification (germline): Uncertain significance (1 of 4 stars; one submission).

Conditions:
Familial temporal lobe epilepsy 7. Identifiers: Orphanet 101046, MedGen C4225327, MONDO:0014639, OMIM 616436.
Norman-Roberts syndrome (LIS2). Also called: Lissencephaly 2 (Norman-Roberts type). Identifiers: Orphanet 89844, MedGen C0796089, MONDO:0009760, OMIM 257320.

Allele frequency attached by ClinVar (database versions not stated): gnomAD exomes below 0.00001.
gnomAD v4.1: 1 of 1,613,506 alleles (0.000062%); highest among the groups gnomAD compares: Non-Finnish European, 0.000085%; no homozygotes.

Submission:

Labcorp Genetics (formerly Invitae), Labcorp
Classification: Uncertain significance for Familial temporal lobe epilepsy 7; Norman-Roberts syndrome. Last evaluated: 2019-11-14. Review status: criteria provided, single submitter. Criteria: Invitae Variant Classification Sherloc (09022015). Collection method: clinical testing. Allele origin: germline.
Comment: In summary, the available evidence is currently insufficient to determine the role of this variant in disease. Therefore, it has been classified as a Variant of Uncertain Significance. Algorithms developed to predict the effect of missense changes on protein structure and function are either unavailable or do not agree on the potential impact of this missense change (SIFT: "Deleterious"; PolyPhen-2: "Possibly Damaging"; Align-GVGD: "Class C0"). This variant has not been reported in the literature in individuals with RELN-related conditions. This variant is not present in population databases (ExAC no frequency). This sequence change replaces lysine with asparagine at codon 907 of the RELN protein (p.Lys907Asn). The lysine residue is moderately conserved and there is a moderate physicochemical difference between lysine and asparagine.

NM_005045.4(RELN):c.2721A>T (p.Lys907Asn)

Gene: RELN (reelin; minus strand). Cytogenetic location: 7q22.1.
Variant type: single nucleotide variant.
Coding change: c.2721A>T on transcript NM_005045.4 (MANE Select); coding-DNA position 2721, A replaced by T.
Protein change: p.Lys907Asn; replaces lysine 907 with asparagine.
Molecular consequence: missense variant.
Genome position (GRCh38, 1-based): chr7:103,611,785, T>A on the plus strand (A>T on the coding strand, the complement: RELN is on the minus strand). VCF-style: chr7-103611785-T-A. GRCh37 (hg19) VCF-style: chr7-103252232-T-A.
Other names: c.2721A>T, p.Lys907Asn (NM_173054.3); short protein forms K907N.
Identifiers: ClinVar variation 957894 (VCV000957894.9), dbSNP rs1831966221, ClinGen allele CA368754830.